The following is an entry in ClinVar:

NM_007294.4(BRCA1):c.5466dup (p.Ala1823fs)

Gene: BRCA1 (BRCA1 DNA repair associated; minus strand). Cytogenetic location: 17q21.31.
Variant type: Duplication.
Coding change: c.5466dup on transcript NM_007294.4 (MANE Select); coding-DNA position 5466, one base duplicated (T; older notation c.5466dupT).
Protein change: p.Ala1823fs; shifts the reading frame from alanine 1823.
Molecular consequence: frameshift variant. On other transcripts: non-coding transcript variant (1).
Genome position (GRCh38, 1-based): chr17:43,047,644, A duplicated on the plus strand (T on the coding strand, the reverse complement: BRCA1 is on the minus strand). VCF-style (leftmost placement, unchanged base first): chr17-43047643-C-CA. GRCh37 (hg19) VCF-style: chr17-41199660-C-CA.
Other names: c.5466dupT (NM_007294.3); c.5253dup, p.Ala1752Cysfs (NM_001407571.1, NM_001407894.1, NM_001407895.1 and 12 more transcripts); c.5532dup, p.Ala1845Cysfs (NM_001407581.1, NM_001407582.1); c.5529dup, p.Ala1844Cysfs (NM_001407583.1, NM_001407585.1, NM_001407587.1); c.5526dup, p.Ala1843Cysfs (NM_001407590.1, NM_001407591.1); c.5466dup, p.Ala1823Cysfs (NM_001407593.1, NM_001407594.1, NM_001407596.1 and 5 more transcripts); c.5463dup, p.Ala1822Cysfs (NM_001407610.1, NM_001407611.1, NM_001407612.1 and 14 more transcripts); c.5460dup, p.Ala1821Cysfs (NM_001407627.1, NM_001407628.1, NM_001407629.1 and 13 more transcripts); and 87 more; short protein forms C694fs, A1776fs, A1823fs, A1844fs, A719fs.
Identifiers: ClinVar variation 548237 (VCV000548237.2), dbSNP rs1555574698, ClinGen allele CA658824709.

ClinVar aggregate classification (germline): Pathogenic (3 of 4 stars; one submission).

Conditions:
Breast-ovarian cancer, familial, susceptibility to, 1 (BROVCA1). Also called: BRCA1 Hereditary Breast and Ovarian Cancer; OVARIAN CANCER, SUSCEPTIBILITY TO. Identifiers: Orphanet 145, MedGen C2676676, MONDO:0011450, OMIM 604370. Disease mechanism: loss of function.

Submission:

Evidence-based Network for the Interpretation of Germline Mutant Alleles (ENIGMA)
Classification: Pathogenic for Breast-ovarian cancer, familial, susceptibility to, 1. Last evaluated: 2017-12-15. Review status: reviewed by expert panel. Criteria: ENIGMA BRCA1/2 Classification Criteria (2017-06-29). Collection method: curation. Allele origin: germline. Study: ENIGMA.
Comment: Variant allele predicted to encode a truncated non-functional protein.